The following is an entry in ClinVar:

ClinVar aggregate classification (germline): Likely benign. Review status: criteria provided, single submitter (1 of 4 stars). 2 submissions from 2 submitters: Likely benign (1). 1 of the submissions does not count toward it. Last evaluated 2025-06-03.

Conditions:
Holoprosencephaly 5 (HPE5). Identifiers: Orphanet 2162, MedGen C1864827, MONDO:0012322, OMIM 609637.
ZIC2-related disorder. Also called: ZIC2-related condition.

Allele frequency attached by ClinVar (database versions not stated): ExAC 0.00001; gnomAD exomes 0.00002; gnomAD 0.00003; TOPMed 0.00057.
gnomAD v4.1: 139 of 1,612,936 alleles (0.0086%); highest among the groups gnomAD compares: Non-Finnish European, 0.0063%; no homozygotes.

Submissions (2):

Labcorp Genetics (formerly Invitae), Labcorp
Classification: Likely benign for Holoprosencephaly 5. Last evaluated: 2025-06-03. Review status: criteria provided, single submitter. Criteria: Invitae Variant Classification Sherloc (09022015). Collection method: clinical testing. Allele origin: germline.

PreventionGenetics, part of Exact Sciences
Classification: Likely benign for ZIC2-related condition. Last evaluated: 2019-03-04. Review status: no assertion criteria provided. Collection method: clinical testing. Allele origin: germline. Not counted in ClinVar's aggregate classification.
Comment: This variant is classified as likely benign based on ACMG/AMP sequence variant interpretation guidelines (Richards et al. 2015 PMID: 25741868, with internal and published modifications).

NM_007129.5(ZIC2):c.855A>G (p.Thr285=)

Gene: ZIC2 (Zic family zinc finger 2; plus strand). Cytogenetic location: 13q32.3.
Variant type: single nucleotide variant.
Coding change: c.855A>G on transcript NM_007129.5 (MANE Select); coding-DNA position 855, A replaced by G.
Protein change: p.Thr285=; no amino-acid change (threonine 285 retained).
Molecular consequence: synonymous variant.
Genome position (GRCh38, 1-based): chr13:99,982,919, A>G. VCF-style: chr13-99982919-A-G. GRCh37 (hg19) VCF-style: chr13-100635173-A-G.
Identifiers: ClinVar variation 730470 (VCV000730470.11), dbSNP rs780880109, ClinGen allele CA7032863.